The following is an entry in ClinVar:

ClinVar aggregate classification (germline): Conflicting classifications of pathogenicity. Review status: criteria provided, conflicting classifications (1 of 4 stars). 3 submissions from 3 submitters: Uncertain significance (2); Benign (1). Last evaluated 2025-11-17.

Conditions:
Neurofibromatosis, type 1 (NF1). Also called: VON RECKLINGHAUSEN DISEASE; NEUROFIBROMATOSIS, TYPE I, SOMATIC; Peripheral type neurofibromatosis; Neurofibromatosis, type I. Identifiers: Orphanet 636, MedGen C0027831, MONDO:0018975, OMIM 162200. Disease mechanism: loss of function.
NF1-related disorder. Also called: NF1-related condition. Identifiers: MedGen CN379171.
Cardiovascular phenotype. Identifiers: MedGen CN230736.
Hereditary cancer-predisposing syndrome. Also called: Tumor predisposition; Hereditary Cancer Syndrome; Hereditary neoplastic syndrome; Neoplastic Syndromes, Hereditary. Identifiers: Orphanet 140162, MedGen C0027672, MeSH D009386, MONDO:0015356.

Allele frequency attached by ClinVar (database versions not stated): gnomAD exomes 0.00001; ExAC 0.00002.
gnomAD v4.1: 4 of 1,613,764 alleles (0.00025%); highest among the groups gnomAD compares: Admixed American, 0.0033%; no homozygotes.

Submissions (3):

Labcorp Genetics (formerly Invitae), Labcorp
Classification: Benign for Neurofibromatosis, type 1. Last evaluated: 2025-11-17. Review status: criteria provided, single submitter. Criteria: Invitae Variant Classification Sherloc (09022015). Collection method: clinical testing. Allele origin: germline.

Ambry Genetics
Classification: Uncertain significance for Cardiovascular phenotype; Hereditary cancer-predisposing syndrome. Last evaluated: 2023-05-25. Review status: criteria provided, single submitter. Criteria: Ambry Variant Classification Scheme 2023. Collection method: clinical testing. Allele origin: germline.
Comment: The p.H457Y variant (also known as c.1369C>T), located in coding exon 12 of the NF1 gene, results from a C to T substitution at nucleotide position 1369. The histidine at codon 457 is replaced by tyrosine, an amino acid with similar properties. This amino acid position is highly conserved in available vertebrate species. In addition, the in silico prediction for this alteration is inconclusive. Since supporting evidence is limited at this time, the clinical significance of this alteration remains unclear.

PreventionGenetics, part of Exact Sciences
Classification: Uncertain significance for NF1-related condition. Last evaluated: 2022-08-27. Review status: criteria provided, single submitter. Criteria: ACMG Guidelines, 2015. Collection method: clinical testing. Allele origin: germline.
Comment: The NF1 c.1369C>T variant is predicted to result in the amino acid substitution p.His457Tyr. To our knowledge, this variant has not been reported in the literature. This variant is reported in 0.0058% of alleles in individuals of Latino descent in gnomAD. At this time, the clinical significance of this variant is uncertain due to the absence of conclusive functional and genetic evidence.

NM_001042492.3(NF1):c.1369C>T (p.His457Tyr)

Gene: NF1 (neurofibromin 1; plus strand). Cytogenetic location: 17q11.2.
Variant type: single nucleotide variant.
Coding change: c.1369C>T on transcript NM_001042492.3 (MANE Select); coding-DNA position 1369, C replaced by T.
Protein change: p.His457Tyr; replaces histidine 457 with tyrosine.
Molecular consequence: missense variant.
Genome position (GRCh38, 1-based): chr17:31,206,348, C>T. VCF-style: chr17-31206348-C-T. GRCh37 (hg19) VCF-style: chr17-29533366-C-T.
Other names: c.1369C>T, p.His457Tyr (NM_000267.4, NM_001128147.3); short protein forms H457Y.
Identifiers: ClinVar variation 237515 (VCV000237515.12), dbSNP rs757560526, ClinGen allele CA8485756.